The following is an entry in ClinVar:

ClinVar aggregate classification (germline): Uncertain significance (1 of 4 stars; one submission).

Submission:

GeneDx
Classification: Uncertain significance. Last evaluated: 2026-02-14. Review status: criteria provided, single submitter. Criteria: GeneDx Variant Classification Process June 2021. Collection method: clinical testing. Allele origin: germline.
Comment: Not observed at significant frequency in large population cohorts (gnomAD); In silico analysis supports that this missense variant has a deleterious effect on protein structure/function; Has not been previously published as pathogenic or benign to our knowledge

NM_001287491.2(TET3):c.5045A>G (p.Asn1682Ser)

Gene: TET3 (tet methylcytosine dioxygenase 3; plus strand). Cytogenetic location: 2p13.1.
Variant type: single nucleotide variant.
Coding change: c.5045A>G on transcript NM_001287491.2 (MANE Select); coding-DNA position 5045, A replaced by G.
Protein change: p.Asn1682Ser; replaces asparagine 1682 with serine.
Molecular consequence: missense variant.
Genome position (GRCh38, 1-based): chr2:74,101,833, A>G. VCF-style: chr2-74101833-A-G. GRCh37 (hg19) VCF-style: chr2-74328960-A-G.
Other names: c.4766A>G, p.Asn1589Ser (NM_001366022.1); short protein forms N1589S, N1682S.
Identifiers: ClinVar variation 3365322 (VCV003365322.2).
Genomic context (GRCh38, chr2:74,101,833, plus strand): 5'-CCATCCTCATCGAGTGTGCCCGGCGGGAGCTGCACGCCACCACGCCGCTTAAGAAGCCCA[A>G]CCGCTGCCACCCCACCCGCATCTCGCTGGTCTTCTACCAGCACAAGAACCTCAACCAGCC-3'
Protein context (NP_001274420.1, residues 1672-1692): LHATTPLKKP[Asn1682Ser]RCHPTRISLV